The following is an entry in ClinVar:

NM_173602.3(DIP2B):c.2689G>C (p.Ala897Pro)

Gene: DIP2B (disco interacting protein 2 homolog B; plus strand). Cytogenetic location: 12q13.12.
Variant type: single nucleotide variant.
Coding change: c.2689G>C on transcript NM_173602.3 (MANE Select); coding-DNA position 2689, G replaced by C.
Protein change: p.Ala897Pro; replaces alanine 897 with proline.
Molecular consequence: missense variant.
Genome position (GRCh38, 1-based): chr12:50,714,434, G>C. VCF-style: chr12-50714434-G-C. GRCh37 (hg19) VCF-style: chr12-51108217-G-C.
Other names: short protein forms A897P.
Identifiers: ClinVar variation 3032427 (VCV003032427.2), dbSNP rs2540145523, ClinGen allele CA384823949.

ClinVar aggregate classification (germline): Uncertain significance (0 of 4 stars; one submission).

Conditions:
DIP2B-related disorder. Also called: DIP2B-related condition.

Allele frequency attached by ClinVar (database versions not stated): gnomAD exomes below 0.00001.
gnomAD v4.1: 1 of 1,614,162 alleles (0.000062%); highest among the groups gnomAD compares: Non-Finnish European, 0.000085%; no homozygotes.

Submission:

PreventionGenetics, part of Exact Sciences
Classification: Uncertain significance for DIP2B-related condition. Last evaluated: 2023-12-23. Review status: no assertion criteria provided. Collection method: clinical testing. Allele origin: germline.
Comment: The DIP2B c.2689G>C variant is predicted to result in the amino acid substitution p.Ala897Pro. To our knowledge, this variant has not been reported in the literature or in a large population database, indicating this variant is rare. At this time, the clinical significance of this variant is uncertain due to the absence of conclusive functional and genetic evidence.